The following is an entry in ClinVar:

ClinVar aggregate classification (germline): Uncertain significance (1 of 4 stars; one submission).

gnomAD v4.1: 2 of 1,454,654 alleles (0.00014%); highest among the groups gnomAD compares: Non-Finnish European, 0.00009%; no homozygotes.

Submission:

GeneDx
Classification: Uncertain significance. Last evaluated: 2025-03-04. Review status: criteria provided, single submitter. Criteria: GeneDx Variant Classification Process June 2021. Collection method: clinical testing. Allele origin: germline. Affected: yes.
Comment: Not observed at significant frequency in large population cohorts (gnomAD); In silico analysis indicates that this variant does not alter splicing; Has not been previously published as pathogenic or benign to our knowledge

NM_015404.4(WHRN):c.12G>T (p.Pro4=)

Gene: WHRN (whirlin; minus strand). Cytogenetic location: 9q32.
Variant type: single nucleotide variant.
Coding change: c.12G>T on transcript NM_015404.4 (MANE Select); coding-DNA position 12, G replaced by T.
Protein change: p.Pro4=; no amino-acid change (proline 4 retained).
Molecular consequence: synonymous variant.
Genome position (GRCh38, 1-based): chr9:114,504,790, C>A on the plus strand (G>T on the coding strand, the complement: WHRN is on the minus strand). VCF-style: chr9-114504790-C-A. GRCh37 (hg19) VCF-style: chr9-117267070-C-A.
Other names: c.12G>T, p.Pro4= (NM_001173425.2).
Identifiers: ClinVar variation 4083436 (VCV004083436.1).